The following is an entry in ClinVar:

ClinVar aggregate classification (germline): Uncertain significance (1 of 4 stars; one submission).

Conditions:
Evans syndrome, immunodeficiency, and premature immunosenescence associated with tripeptidyl-peptidase II deficiency. Identifiers: MedGen CN231723. Disease mechanism: loss of function.

Submission:

Labcorp Genetics (formerly Invitae), Labcorp
Classification: Uncertain significance for Evans syndrome, immunodeficiency, and premature immunosenescence associated with tripeptidyl-peptidase II deficiency. Last evaluated: 2022-09-19. Review status: criteria provided, single submitter. Criteria: Invitae Variant Classification Sherloc (09022015). Collection method: clinical testing. Allele origin: germline.
Comment: In summary, the available evidence is currently insufficient to determine the role of this variant in disease. Therefore, it has been classified as a Variant of Uncertain Significance. Algorithms developed to predict the effect of sequence changes on RNA splicing suggest that this variant may disrupt the consensus splice site. This variant has not been reported in the literature in individuals affected with TPP2-related conditions. This variant is present in population databases (no rsID available, gnomAD 0.002%). This sequence change falls in intron 15 of the TPP2 gene. It does not directly change the encoded amino acid sequence of the TPP2 protein.

NM_001330588.2(TPP2):c.1906_1913+18dup

Gene: TPP2 (tripeptidyl peptidase 2; plus strand). Cytogenetic location: 13q33.1.
Variant type: Duplication.
Coding change: c.1906_1913+18dup on transcript NM_001330588.2 (MANE Select); coding-DNA position 1906 through 18 bases into the intron after coding-DNA position 1913, 26 bases duplicated (GCAGCAAAGTAAGTAACAGGTTACTC).
Molecular consequence: splice donor variant.
Genome position (GRCh38, 1-based): chr13:102,638,308-102,638,333, GCAGCAAAGTAAGTAACAGGTTACTC duplicated. VCF-style (leftmost placement, unchanged base first): chr13-102638307-A-AGCAGCAAAGTAAGTAACAGGTTACTC. GRCh37 (hg19) VCF-style: chr13-103290657-A-AGCAGCAAAGTAAGTAACAGGTTACTC.
Other names: c.1906_1913+18dup (NM_001367947.1, NM_003291.4).
Identifiers: ClinVar variation 1980371 (VCV001980371.2), dbSNP rs1357162349, ClinGen allele CA484776076.